The following is an entry in ClinVar:

NM_024675.4(PALB2):c.2568A>G (p.Gln856=)

Gene: PALB2 (partner and localizer of BRCA2; minus strand). Cytogenetic location: 16p12.2.
Variant type: single nucleotide variant.
Coding change: c.2568A>G on transcript NM_024675.4 (MANE Select); coding-DNA position 2568, A replaced by G.
Protein change: p.Gln856=; no amino-acid change (glutamine 856 retained).
Molecular consequence: synonymous variant.
Genome position (GRCh38, 1-based): chr16:23,629,222, T>C on the plus strand (A>G on the coding strand, the complement: PALB2 is on the minus strand). VCF-style: chr16-23629222-T-C. GRCh37 (hg19) VCF-style: chr16-23640543-T-C.
Identifiers: ClinVar variation 774256 (VCV000774256.12), dbSNP rs587781708, ClinGen allele CA494163341.

ClinVar aggregate classification (germline): Benign/Likely benign. Review status: criteria provided, multiple submitters, no conflicts (2 of 4 stars). 3 submissions from 3 submitters: Benign (1); Likely benign (2). Last evaluated 2025-01-16.

Conditions:
Hereditary cancer-predisposing syndrome. Also called: Neoplastic Syndromes, Hereditary; Hereditary Cancer Syndrome; Tumor predisposition; Hereditary neoplastic syndrome. Identifiers: Orphanet 140162, MedGen C0027672, MeSH D009386, MONDO:0015356.
Familial cancer of breast. Also called: Hereditary breast cancer; hereditary breast carcinoma; BREAST CANCER, FAMILIAL. Identifiers: Orphanet 227535, MedGen C0346153, MONDO:0016419, OMIM 114480. Disease mechanism: loss of function.

Allele frequency attached by ClinVar (database versions not stated): gnomAD exomes below 0.00001.
gnomAD v4.1: 2 of 1,613,484 alleles (0.00012%); highest among the groups gnomAD compares: Non-Finnish European, 0.00017%; no homozygotes.

Submissions (3):

Myriad Genetics, Inc.
Classification: Benign for Familial cancer of breast. Last evaluated: 2025-01-16. Review status: criteria provided, single submitter. Criteria: Myriad Autosomal Dominant, Autosomal Recessive and X-Linked Classification Criteria (2023). Collection method: clinical testing. Allele origin: unknown.
Comment: This variant is considered benign. This variant is a silent/synonymous amino acid change and it is not expected to impact splicing.

Ambry Genetics
Classification: Likely benign for Hereditary cancer-predisposing syndrome. Last evaluated: 2021-12-04. Review status: criteria provided, single submitter. Criteria: Ambry Variant Classification Scheme 2023. Collection method: clinical testing. Allele origin: germline.

Labcorp Genetics (formerly Invitae), Labcorp
Classification: Likely benign for Familial cancer of breast. Last evaluated: 2021-12-02. Review status: criteria provided, single submitter. Criteria: Invitae Variant Classification Sherloc (09022015). Collection method: clinical testing. Allele origin: germline.